The following is an entry in ClinVar:

NM_001164508.2(NEB):c.22555A>G (p.Lys7519Glu)

Genes: NEB (nebulin; minus strand), RIF1 (replication timing regulatory factor 1; plus strand). Cytogenetic location: 2q23.3.
Variant type: single nucleotide variant.
Coding change: c.22555A>G on transcript NM_001164508.2 (MANE Select); coding-DNA position 22555, A replaced by G.
Protein change: p.Lys7519Glu; replaces lysine 7519 with glutamic acid.
Molecular consequence: missense variant.
Genome position (GRCh38, 1-based): chr2:151,519,693, T>C on the plus strand (A>G on the coding strand, the complement: NEB is on the minus strand). VCF-style: chr2-151519693-T-C. GRCh37 (hg19) VCF-style: chr2-152376207-T-C.
Other names: c.22555A>G, p.Lys7519Glu (NM_001164507.2); c.22660A>G, p.Lys7554Glu (NM_001271208.2); c.17452A>G, p.Lys5818Glu (NM_004543.5); short protein forms K7519E, K5818E, K7554E.
Identifiers: ClinVar variation 940672 (VCV000940672.4), dbSNP rs2080605863, ClinGen allele CA348761643.
Genomic context (GRCh38, chr2:151,519,693, plus strand): 5'-TTTTACCACAATTTTAGAAACATACCTCACTTGCAAGATTATTAGCATCTTTCATGACTT[T>C]GTAGAGCTGGCTGTCTTTTGGATTGTATTTTGGTGTCTTGCCCTTTTCTTTATCGAAATT-3'
Protein context (NP_001157980.2, residues 7509-7529): KYNPKDSQLY[Lys7519Glu]VMKDANNLAS

ClinVar aggregate classification (germline): Uncertain significance (1 of 4 stars; one submission).

Conditions:
Nemaline myopathy 2 (NEM2). Also called: Nemaline myopathy 2, autosomal recessive. Identifiers: MedGen C1850569, MONDO:0009725, OMIM 256030.

Submission:

Labcorp Genetics (formerly Invitae), Labcorp
Classification: Uncertain significance for Nemaline myopathy 2. Last evaluated: 2021-09-01. Review status: criteria provided, single submitter. Criteria: Invitae Variant Classification Sherloc (09022015). Collection method: clinical testing. Allele origin: germline.
Comment: This sequence change replaces lysine with glutamic acid at codon 7554 of the NEB protein (p.Lys7554Glu). The lysine residue is moderately conserved and there is a small physicochemical difference between lysine and glutamic acid. This variant is not present in population databases (ExAC no frequency). This variant has not been reported in the literature in individuals affected with NEB-related conditions. Algorithms developed to predict the effect of missense changes on protein structure and function are either unavailable or do not agree on the potential impact of this missense change (SIFT: "Deleterious"; PolyPhen-2: "Not Available"; Align-GVGD: "Class C0"). In summary, the available evidence is currently insufficient to determine the role of this variant in disease. Therefore, it has been classified as a Variant of Uncertain Significance.